The following is an entry in ClinVar:

NM_017617.5(NOTCH1):c.6557G>T (p.Gly2186Val)

Gene: NOTCH1 (notch receptor 1; minus strand). Cytogenetic location: 9q34.3.
Variant type: single nucleotide variant.
Coding change: c.6557G>T on transcript NM_017617.5 (MANE Select); coding-DNA position 6557, G replaced by T.
Protein change: p.Gly2186Val; replaces glycine 2186 with valine.
Molecular consequence: missense variant.
Genome position (GRCh38, 1-based): chr9:136,497,182, C>A on the plus strand (G>T on the coding strand, the complement: NOTCH1 is on the minus strand). VCF-style: chr9-136497182-C-A. GRCh37 (hg19) VCF-style: chr9-139391634-C-A.
Other names: c.6557G>T (NM_017617.3); short protein forms G2186V.
Identifiers: ClinVar variation 2194627 (VCV002194627.5), dbSNP rs757589247, ClinGen allele CA5339873.

ClinVar aggregate classification (germline): Conflicting classifications of pathogenicity. Review status: criteria provided, conflicting classifications (1 of 4 stars). 2 submissions from 2 submitters: Uncertain significance (1); Benign (1). Last evaluated 2025-10-15.

Conditions:
Adams-Oliver syndrome 5 (AOS5). Identifiers: Orphanet 974, MedGen C4014970, MONDO:0014459, OMIM 616028.

Allele frequency attached by ClinVar (database versions not stated): TOPMed 0.00001; gnomAD exomes 0.00003; ExAC 0.00008.
gnomAD v4.1: 44 of 1,612,822 alleles (0.0027%); highest among the groups gnomAD compares: East Asian, 0.094%; no homozygotes.

Submissions (2):

Labcorp Genetics (formerly Invitae), Labcorp
Classification: Benign for Adams-Oliver syndrome 5. Last evaluated: 2025-10-15. Review status: criteria provided, single submitter. Criteria: Invitae Variant Classification Sherloc (09022015). Collection method: clinical testing. Allele origin: germline.

GeneDx
Classification: Uncertain significance. Last evaluated: 2022-08-26. Review status: criteria provided, single submitter. Criteria: GeneDx Variant Classification Process June 2021. Collection method: clinical testing. Allele origin: germline. Affected: yes.
Comment: In silico analysis supports that this missense variant has a deleterious effect on protein structure/function; Has not been previously published as pathogenic or benign to our knowledge